The following is an entry in ClinVar:

NM_001366110.1(PAX4):c.356C>T (p.Pro119Leu)

Gene: PAX4 (paired box 4; minus strand). Cytogenetic location: 7q32.1.
Variant type: single nucleotide variant.
Coding change: c.356C>T on transcript NM_001366110.1 (MANE Select); coding-DNA position 356, C replaced by T.
Protein change: p.Pro119Leu; replaces proline 119 with leucine.
Molecular consequence: missense variant.
Genome position (GRCh38, 1-based): chr7:127,614,884, G>A on the plus strand (C>T on the coding strand, the complement: PAX4 is on the minus strand). VCF-style: chr7-127614884-G-A. GRCh37 (hg19) VCF-style: chr7-127254938-G-A.
Other names: c.356C>T, p.Pro119Leu (NM_001366111.1); short protein forms P119L.
Identifiers: ClinVar variation 5019698 (VCV005019698.2).

ClinVar aggregate classification (germline): Uncertain significance (1 of 4 stars; one submission).

Conditions:
Type 2 diabetes mellitus. Also called: Type II diabetes mellitus. Identifiers: MedGen C0011860, MeSH D003924, MONDO:0005148, OMIM 125853, HP:0005978.
Maturity-onset diabetes of the young type 9 (MODY9). Identifiers: Orphanet 552, MedGen C2677132, MONDO:0012818, OMIM 612225.
Diabetes mellitus, ketosis-prone (KPD). Identifiers: MedGen C3837958, MONDO:0100180, OMIM 612227.

gnomAD v4.1: 27 of 1,613,850 alleles (0.0017%); highest among the groups gnomAD compares: East Asian, 0.06%; no homozygotes.

Submission:

Juno Genomics, Hangzhou Juno Genomics, Inc
Classification: Uncertain significance for Diabetes mellitus, ketosis-prone; Type 2 diabetes mellitus; Maturity-onset diabetes of the young type 9. Review status: criteria provided, single submitter. Criteria: ACMG Guidelines, 2015. Collection method: clinical testing. Allele origin: germline.
Comment: Observed in a healthy adult individual for a recessive/dominant/X-linked disorder with full penetrance.;Multiple lines of computational evidence support a deleterious effect on the gene or gene product.;The prevalence of the variant in affected individuals is significantly increased compared to the prevalence in controls.